The following is an entry in ClinVar:

ClinVar aggregate classification (germline): Uncertain significance (1 of 4 stars; one submission).

Conditions:
Catecholaminergic polymorphic ventricular tachycardia 1. Also called: VENTRICULAR TACHYCARDIA, CATECHOLAMINERGIC POLYMORPHIC, 1, WITH OR WITHOUT ATRIAL DYSFUNCTION AND/OR DILATED CARDIOMYOPATHY; VENTRICULAR TACHYCARDIA, STRESS-INDUCED POLYMORPHIC 1; RYR2-Related Catecholaminergic Polymorphic Ventricular Tachycardia. Identifiers: Orphanet 3286, MedGen C1631597, MONDO:0011484, OMIM 604772.

Allele frequency attached by ClinVar (database versions not stated): gnomAD exomes below 0.00001.
gnomAD v4.1: 1 of 1,463,530 alleles (0.000068%); highest among the groups gnomAD compares: Non-Finnish European, 0.000092%; no homozygotes.

Submission:

Labcorp Genetics (formerly Invitae), Labcorp
Classification: Uncertain significance for Catecholaminergic polymorphic ventricular tachycardia 1. Last evaluated: 2022-03-09. Review status: criteria provided, single submitter. Criteria: Invitae Variant Classification Sherloc (09022015). Collection method: clinical testing. Allele origin: germline.
Comment: Algorithms developed to predict the effect of sequence changes on RNA splicing suggest that this variant may disrupt the consensus splice site. This sequence change affects a donor splice site in intron 54 of the RYR2 gene. It is expected to disrupt RNA splicing. Variants that disrupt the donor or acceptor splice site typically lead to a loss of protein function (PMID: 16199547), however the current clinical and genetic evidence is not sufficient to establish whether loss-of-function variants in RYR2 cause disease. This variant is not present in population databases (gnomAD no frequency). This variant has not been reported in the literature in individuals affected with RYR2-related conditions. ClinVar contains an entry for this variant (Variation ID: 943125). In summary, the available evidence is currently insufficient to determine the role of this variant in disease. Therefore, it has been classified as a Variant of Uncertain Significance.

Literature cited by the submitters: PubMed 16199547.

NM_001035.3(RYR2):c.8208+1G>A

Gene: RYR2 (ryanodine receptor 2; plus strand). Cytogenetic location: 1q43.
Variant type: single nucleotide variant.
Coding change: c.8208+1G>A on transcript NM_001035.3 (MANE Select); the canonical splice donor site of the intron after coding-DNA position 8208, G replaced by A.
Molecular consequence: splice donor variant.
Genome position (GRCh38, 1-based): chr1:237,658,023, G>A. VCF-style: chr1-237658023-G-A. GRCh37 (hg19) VCF-style: chr1-237821323-G-A.
Identifiers: ClinVar variation 943125 (VCV000943125.9), dbSNP rs1683419269, ClinGen allele CA345401292.